The following is an entry in ClinVar:

NM_032608.7(MYO18B):c.3786C>A (p.Asp1262Glu)

Gene: MYO18B (myosin XVIIIB; plus strand). Cytogenetic location: 22q12.1.
Variant type: single nucleotide variant.
Coding change: c.3786C>A on transcript NM_032608.7 (MANE Select); coding-DNA position 3786, C replaced by A.
Protein change: p.Asp1262Glu; replaces aspartic acid 1262 with glutamic acid.
Molecular consequence: missense variant.
Genome position (GRCh38, 1-based): chr22:25,851,480, C>A. VCF-style: chr22-25851480-C-A. GRCh37 (hg19) VCF-style: chr22-26247447-C-A.
Other names: c.3789C>A, p.Asp1263Glu (NM_001318245.2); short protein forms D1262E, D1263E.
Identifiers: ClinVar variation 1510389 (VCV001510389.6), dbSNP rs2146046406, ClinGen allele CA411002582.
Genomic context (GRCh38, chr22:25,851,480, plus strand): 5'-CTTCTCATCTGGACTCTGTGCTCTTCTCCTGCCTGCTCCTACCTCCCTAGGCTATGCTGA[C>A]CACATGGGGCTCACTCGCTTCCGCCGGCAATTCCAGGTGCTGGACGCTCCACTCCTGAAG-3'
Protein context (NP_115997.5, residues 1252-1272): ALRLHRTGYA[Asp1262Glu]HMGLTRFRRQ

ClinVar aggregate classification (germline): Uncertain significance (1 of 4 stars; one submission).

Submission:

Labcorp Genetics (formerly Invitae), Labcorp
Classification: Uncertain significance. Last evaluated: 2022-09-13. Review status: criteria provided, single submitter. Criteria: Invitae Variant Classification Sherloc (09022015). Collection method: clinical testing. Allele origin: germline.
Comment: In summary, the available evidence is currently insufficient to determine the role of this variant in disease. Therefore, it has been classified as a Variant of Uncertain Significance. Algorithms developed to predict the effect of missense changes on protein structure and function output the following: SIFT: "Not Available"; PolyPhen-2: "Benign"; Align-GVGD: "Not Available". The glutamic acid amino acid residue is found in multiple mammalian species, which suggests that this missense change does not adversely affect protein function. ClinVar contains an entry for this variant (Variation ID: 1510389). This variant has not been reported in the literature in individuals affected with MYO18B-related conditions. This variant is not present in population databases (gnomAD no frequency). This sequence change replaces aspartic acid with glutamic acid at codon 1262 of the MYO18B protein (p.Asp1262Glu). The aspartic acid residue is weakly conserved and there is a small physicochemical difference between aspartic acid and glutamic acid.